The following is an entry in ClinVar:

NM_201384.3(PLEC):c.2977C>T (p.Arg993Trp)

Gene: PLEC (plectin; minus strand). Cytogenetic location: 8q24.3.
Variant type: single nucleotide variant.
Coding change: c.2977C>T on transcript NM_201384.3 (MANE Select); coding-DNA position 2977, C replaced by T.
Protein change: p.Arg993Trp; replaces arginine 993 with tryptophan.
Molecular consequence: missense variant.
Genome position (GRCh38, 1-based): chr8:143,929,518, G>A on the plus strand (C>T on the coding strand, the complement: PLEC is on the minus strand). VCF-style: chr8-143929518-G-A. GRCh37 (hg19) VCF-style: chr8-145003686-G-A.
Other names: c.3058C>T (NM_000445.3); c.3058C>T, p.Arg1020Trp (NM_000445.5); c.2935C>T, p.Arg979Trp (NM_201378.4); c.2911C>T, p.Arg971Trp (NM_201379.3); c.3388C>T, p.Arg1130Trp (NM_201380.4); c.2881C>T, p.Arg961Trp (NM_201381.3); c.2977C>T, p.Arg993Trp (NM_201382.4); c.2989C>T, p.Arg997Trp (NM_201383.3); short protein forms R1020W, R1130W, R961W, R971W, R979W, R993W, R997W.
Identifiers: ClinVar variation 1053197 (VCV001053197.9), dbSNP rs373993300, ClinGen allele CA4927271.

ClinVar aggregate classification (germline): Uncertain significance. Review status: criteria provided, multiple submitters, no conflicts (2 of 4 stars). 3 submissions from 3 submitters: Uncertain significance (3). Last evaluated 2025-07-28.

Conditions:
Inborn genetic diseases. Identifiers: MedGen C0950123, MeSH D030342.
Epidermolysis bullosa simplex 5B, with muscular dystrophy (EBS5B). Also called: Epidermolysis bullosa simplex with muscular dystrophy; EPIDERMOLYSIS BULLOSA SIMPLEX AND LIMB-GIRDLE MUSCULAR DYSTROPHY. Identifiers: Orphanet 257, MedGen C2931072, MONDO:0009181, OMIM 226670.
Epidermolysis bullosa simplex 5C, with pyloric atresia (EBS5C). Also called: Epidermolysis bullosa simplex with pyloric atresia; PLEC-Related Epidermolysis Bullosa with Pyloric Atresia; PLEC1-Related Epidermolysis Bullosa with Pyloric Atresia. Identifiers: Orphanet 158684, MedGen C2677349, MONDO:0012807, OMIM 612138.
Epidermolysis bullosa simplex, Ogna type (EBS5A). Also called: Pidermolysis bullosa simplex 5A, Ogna type; EPIDERMOLYSIS BULLOSA SIMPLEX 5A, OGNA TYPE. Identifiers: Orphanet 79401, MedGen C0432317, MONDO:0007555, OMIM 131950.
Autosomal recessive limb-girdle muscular dystrophy type 2Q (LGMDR17). Also called: MUSCULAR DYSTROPHY, LIMB-GIRDLE, AUTOSOMAL RECESSIVE 17. Identifiers: Orphanet 254361, MedGen C3150989, MONDO:0013390, OMIM 613723.
Epidermolysis bullosa simplex with nail dystrophy (EBS5D). Identifiers: MedGen C4225309, MONDO:0014661, OMIM 616487.

Allele frequency attached by ClinVar (database versions not stated): ExAC 0.00001; gnomAD exomes 0.00003; gnomAD 0.00004; TOPMed 0.00005; ESP Exome Variant Server 0.00008.
gnomAD v4.1: 42 of 1,612,370 alleles (0.0026%); highest among the groups gnomAD compares: Middle Eastern, 0.033%; no homozygotes.

Submissions (3):

Labcorp Genetics (formerly Invitae), Labcorp
Classification: Uncertain significance for Autosomal recessive limb-girdle muscular dystrophy type 2Q; Epidermolysis bullosa simplex, Ogna type; Epidermolysis bullosa simplex with nail dystrophy; Epidermolysis bullosa simplex 5C, with pyloric atresia; Epidermolysis bullosa simplex 5B, with muscular dystrophy. Last evaluated: 2025-07-28. Review status: criteria provided, single submitter. Criteria: Invitae Variant Classification Sherloc (09022015). Collection method: clinical testing. Allele origin: germline.
Comment: This sequence change replaces arginine, which is basic and polar, with tryptophan, which is neutral and slightly polar, at codon 1020 of the PLEC protein (p.Arg1020Trp). This variant is present in population databases (rs373993300, gnomAD 0.01%). This variant has not been reported in the literature in individuals affected with PLEC-related conditions. ClinVar contains an entry for this variant (Variation ID: 1053197). Invitae Evidence Modeling of protein sequence and biophysical properties (such as structural, functional, and spatial information, amino acid conservation, physicochemical variation, residue mobility, and thermodynamic stability) indicates that this missense variant is expected to disrupt PLEC protein function with a positive predictive value of 80%. In summary, the available evidence is currently insufficient to determine the role of this variant in disease. Therefore, it has been classified as a Variant of Uncertain Significance.

Ambry Genetics
Classification: Uncertain significance for Inborn genetic diseases. Last evaluated: 2024-10-20. Review status: criteria provided, single submitter. Criteria: Ambry Variant Classification Scheme 2023. Collection method: clinical testing. Allele origin: germline.

Revvity Omics, Revvity
Classification: Uncertain significance. Last evaluated: 2020-09-30. Review status: criteria provided, single submitter. Criteria: ACMG Guidelines, 2015. Collection method: clinical testing. Allele origin: germline.